The following is an entry in ClinVar:

NM_001039141.3(TRIOBP):c.637G>A (p.Gly213Ser)

Gene: TRIOBP (TRIO and F-actin binding protein; plus strand). Cytogenetic location: 22q13.1.
Variant type: single nucleotide variant.
Coding change: c.637G>A on transcript NM_001039141.3 (MANE Select); coding-DNA position 637, G replaced by A.
Protein change: p.Gly213Ser; replaces glycine 213 with serine.
Molecular consequence: missense variant.
Genome position (GRCh38, 1-based): chr22:37,723,193, G>A. VCF-style: chr22-37723193-G-A. GRCh37 (hg19) VCF-style: chr22-38119200-G-A.
Other names: short protein forms G213S.
Identifiers: ClinVar variation 1346327 (VCV001346327.9), dbSNP rs752834637, ClinGen allele CA10223414.

ClinVar aggregate classification (germline): Uncertain significance. Review status: criteria provided, multiple submitters, no conflicts (2 of 4 stars). 2 submissions from 2 submitters: Uncertain significance (2). Last evaluated 2022-01-25.

Allele frequency attached by ClinVar (database versions not stated): gnomAD 0.00001; ExAC 0.00002; gnomAD exomes 0.00002; TOPMed 0.00002.
gnomAD v4.1: 17 of 1,613,678 alleles (0.0011%); highest among the groups gnomAD compares: Admixed American, 0.0067%; no homozygotes.

Submissions (2):

GeneDx
Classification: Uncertain significance. Last evaluated: 2022-01-25. Review status: criteria provided, single submitter. Criteria: GeneDx Variant Classification Process June 2021. Collection method: clinical testing. Allele origin: germline. Affected: yes.
Comment: Not observed at significant frequency in large population cohorts (gnomAD); In silico analysis supports that this missense variant does not alter protein structure/function; Has not been previously published as pathogenic or benign to our knowledge

Labcorp Genetics (formerly Invitae), Labcorp
Classification: Uncertain significance. Last evaluated: 2021-07-27. Review status: criteria provided, single submitter. Criteria: Invitae Variant Classification Sherloc (09022015). Collection method: clinical testing. Allele origin: germline.
Comment: Algorithms developed to predict the effect of missense changes on protein structure and function output the following: SIFT: "Tolerated"; PolyPhen-2: "Benign"; Align-GVGD: "Class C0". The serine amino acid residue is found in multiple mammalian species, suggesting that this missense change does not adversely affect protein function. These predictions have not been confirmed by published functional studies and their clinical significance is uncertain. In summary, the available evidence is currently insufficient to determine the role of this variant in disease. Therefore, it has been classified as a Variant of Uncertain Significance. This variant has not been reported in the literature in individuals with TRIOBP-related conditions. This variant is present in population databases (rs752834637, ExAC 0.006%). This sequence change replaces glycine with serine at codon 213 of the TRIOBP protein (p.Gly213Ser). The glycine residue is weakly conserved and there is a small physicochemical difference between glycine and serine.